The following is an entry in ClinVar:

ClinVar aggregate classification (germline): Uncertain significance (1 of 4 stars; one submission).

Conditions:
Arrhythmogenic right ventricular cardiomyopathy (ARVD). Also called: Arrhythmogenic right ventricular dysplasia; Cardiomyopathy, ARVC; Arrhythmogenic cardiomyopathy; Arrhythmogenic Right Ventricular Cardiomyopathy (ARVC). Identifiers: Orphanet 247, MedGen C0349788, MeSH D019571, MONDO:0016587. Disease mechanism: loss of function. Inheritance: Various modes of inheritance.

Allele frequency attached by ClinVar (database versions not stated): gnomAD exomes below 0.00001.
gnomAD v4.1: 2 of 1,614,136 alleles (0.00012%); highest among the groups gnomAD compares: Non-Finnish European, 0.00017%; no homozygotes.

Submission:

All of Us Research Program, National Institutes of Health
Classification: Uncertain significance for Arrhythmogenic right ventricular cardiomyopathy. Last evaluated: 2023-11-20. Review status: criteria provided, single submitter. Criteria: ACMG Guidelines, 2015. Collection method: clinical testing. Allele origin: germline. Inheritance: Autosomal dominant inheritance. Observed: 1 variant allele, 1 heterozygote.
Comment: This missense variant replaces serine with threonine at codon 701 of the DSG2 protein. Computational prediction suggests that this variant may not impact protein structure and function (internally defined REVEL score threshold <= 0.5, PMID: 27666373). To our knowledge, functional studies have not been reported for this variant. This variant has not been reported in individuals affected with DSG2-related disorders in the literature. This variant has not been identified in the general population by the Genome Aggregation Database (gnomAD). The available evidence is insufficient to determine the role of this variant in disease conclusively. Therefore, this variant is classified as a Variant of Uncertain Significance.

This study involves interpretation of variants in research participants for the purpose of population health screening. Participant phenotype was not available at the time of variant classification. Additional details can be found in publication PMID: 35346344, PMCID: PMC8962531

NM_001943.5(DSG2):c.2101T>A (p.Ser701Thr)

Genes: DSG2 (desmoglein 2; plus strand), DSG2-AS1 (DSG2 antisense RNA 1; minus strand). Cytogenetic location: 18q12.1.
Variant type: single nucleotide variant.
Coding change: c.2101T>A on transcript NM_001943.5 (MANE Select); coding-DNA position 2101, T replaced by A.
Protein change: p.Ser701Thr; replaces serine 701 with threonine.
Molecular consequence: missense variant.
Genome position (GRCh38, 1-based): chr18:31,542,619, T>A. VCF-style: chr18-31542619-T-A. GRCh37 (hg19) VCF-style: chr18-29122582-T-A.
Other names: short protein forms S701T.
Identifiers: ClinVar variation 3074507 (VCV003074507.1), dbSNP rs2510920664, ClinGen allele CA402141700.